The following is an entry in ClinVar:

ClinVar aggregate classification (germline): Uncertain significance (1 of 4 stars; one submission).

Conditions:
Leber congenital amaurosis 9 (LCA9). Also called: LCA9 Leber Congenital Amaurosis; LCA 9; Amaurosis congenita of Leber, type 9. Identifiers: Orphanet 65, MedGen C1837873, MONDO:0012056, OMIM 608553.

Submission:

Labcorp Genetics (formerly Invitae), Labcorp
Classification: Uncertain significance for Leber congenital amaurosis 9. Last evaluated: 2019-12-03. Review status: criteria provided, single submitter. Criteria: Invitae Variant Classification Sherloc (09022015). Collection method: clinical testing. Allele origin: germline.
Comment: This variant results in a copy number gain of the genomic region encompassing exons 2-4 of the NMNAT1 gene, which includes the initiator codon. The 5' end of this event is unknown as it extends beyond the assayed region for this gene and therefore may encompass additional genes. The 3' boundary is likely confined to intron 4 of the NMNAT1 gene. As the precise location of this event is unknown, it may be in tandem or it may be located elsewhere in the genome. This variant has not been reported in the literature in individuals with NMNAT1-related conditions. In summary, the available evidence is currently insufficient to determine the role of this variant in disease. Therefore, it has been classified as a Variant of Uncertain Significance.

NC_000001.11:g.(?_9972074)_(9981247_?)dup

Gene: NMNAT1 (nicotinamide nucleotide adenylyltransferase 1; plus strand). Cytogenetic location: 1p36.22.
Variant type: Duplication.
Identifiers: ClinVar variation 831274 (VCV000831274.1).